The following continues an entry in ClinVar:

NM_000059.4(BRCA2):c.1189_1190insTTAG (p.Gln397fs)

Gene: BRCA2. ClinVar aggregate classification (germline): Pathogenic. Pathogenic (1).

Submissions 11 to 20 of 20:

Color Diagnostics, LLC DBA Color Health
Classification: Pathogenic for Hereditary cancer-predisposing syndrome. Last evaluated: 2023-12-14. Review status: criteria provided, single submitter. Criteria: ACMG Guidelines, 2015. Collection method: clinical testing. Allele origin: germline. Not counted in ClinVar's aggregate classification.
Comment: This variant inserts 4 nucleotides in exon 10 of the BRCA2 gene, creating a frameshift and premature translation stop signal. This variant is expected to result in an absent or non-functional protein product. This variant has been reported in individuals affected with breast cancer (PMID: 16644204, 26787237), ovarian cancer (PMID: 22006311, 30322717), pancreatic cancer (PMID: 29961768), and prostate cancer (PMID: 27989354). This variant has been identified in 1/250170 chromosomes in the general population by the Genome Aggregation Database (gnomAD). Loss of BRCA2 function is a known mechanism of disease. Based on the available evidence, this variant is classified as Pathogenic.

Mayo Clinic Laboratories, Mayo Clinic
Classification: Pathogenic. Last evaluated: 2023-08-15. Review status: criteria provided, single submitter. Criteria: ACMG Guidelines, 2015. Collection method: clinical testing. Allele origin: germline. Observed: 1 variant allele. Not counted in ClinVar's aggregate classification.
Comment: PP5, PM5_strong, PVS1

Baylor Genetics
Classification: Pathogenic for Familial cancer of breast. Last evaluated: 2023-07-07. Review status: criteria provided, single submitter. Criteria: ACMG Guidelines, 2015. Collection method: clinical testing. Allele origin: unknown. Not counted in ClinVar's aggregate classification.

ARUP Laboratories, Molecular Genetics and Genomics, ARUP Laboratories
Classification: Pathogenic. Last evaluated: 2023-03-21. Review status: criteria provided, single submitter. Criteria: ARUP Molecular Germline Variant Investigation Process 2024. Collection method: clinical testing. Allele origin: germline. Not counted in ClinVar's aggregate classification.
Comment: The BRCA2 c.1189_1190insTTAG; p.Gln397LeufsTer25 variant (rs397515635) is reported in the literature in individuals with hereditary breast and ovarian cancer syndrome (Evans 2022, Susswein 2016, Walsh 2011). This variant is also reported in ClinVar (Variation ID: 51080). It is only found on one allele in the Genome Aggregation Database, indicating it is not a common polymorphism. This variant causes a frameshift by inserting four nucleotides, so it is predicted to result in a truncated protein or mRNA subject to nonsense-mediated decay. Based on available information, this variant is considered to be pathogenic. References: Evans DG et al. High likelihood of actionable pathogenic variant detection in breast cancer genes in women with very early onset breast cancer. J Med Genet. 2022 Feb;59(2):115-121. PMID: 33758026. Susswein LR et al. Pathogenic and likely pathogenic variant prevalence among the first 10,000 patients referred for next-generation cancer panel testing. Genet Med. 2016 Aug;18(8):823-32. PMID: 26681312. Walsh T et al. Mutations in 12 genes for inherited ovarian, fallopian tube, and peritoneal carcinoma identified by massively parallel sequencing. Proc Natl Acad Sci U S A. 2011 Nov 1;108(44):18032-7. PMID: 22006311.

Department of Pathology and Molecular Medicine, Queen's University
Classification: Pathogenic for Hereditary breast ovarian cancer syndrome. Last evaluated: 2017-04-20. Review status: criteria provided, single submitter. Criteria: ACMG Guidelines, 2015. Collection method: clinical testing. Allele origin: germline. Study: The Canadian Open Genetics Repository (COGR). Not counted in ClinVar's aggregate classification.

Women's Health and Genetics/Laboratory Corporation of America, LabCorp
Classification: Pathogenic for Hereditary breast ovarian cancer syndrome. Last evaluated: 2017-01-19. Review status: criteria provided, single submitter. Criteria: LabCorp Variant Classification Summary - May 2015. Collection method: clinical testing. Allele origin: germline. Not counted in ClinVar's aggregate classification.
Comment: Variant summary: The BRCA2 c.1189_1190insTTAG (p.Gln397Leufs) variant results in a premature termination codon, predicted to cause a truncated or absent BRCA2 protein due to nonsense mediated decay, which are commonly known mechanisms for disease. Truncations downstream of this position have been classified as pathogenic by our laboratory (e.g.c.1257delT/p.Cys419fs). One in silico tool predicts a damaging outcome for this variant. This variant is absent in 120790 control chromosomes. This variant has been reported in multiple affected individuals. In addition, multiple clinical diagnostic laboratories/reputable databases classified this variant as pathogenic. Taken together, this variant is classified as pathogenic.

Laboratory for Molecular Medicine, Mass General Brigham Personalized Medicine
Classification: Pathogenic for Hereditary breast ovarian cancer syndrome. Last evaluated: 2016-12-23. Review status: criteria provided, single submitter. Criteria: LMM Criteria. Collection method: clinical testing. Allele origin: germline. Inheritance: Autosomal dominant inheritance. Observed: 2 variant alleles. Not counted in ClinVar's aggregate classification.
Comment: The p.Gln397fs variant in BRCA2 has been reported in at least 5 individuals with BRCA2-associated cancers (Lalloo 2006, Walsh 2011, Susswein 2015, Breast Cancer Information Core (BIC) database), and was absent from large population studies. This variant is predicted to cause a frameshift, which alters the protein?s ami no acid sequence beginning at position 397 and leads to a premature termination codon 25 amino acids downstream. This alteration is then predicted to lead to a truncated or absent protein. Heterozygous loss of function of the BRCA2 gene is an established disease mechanism in hereditary breast and ovarian cancer (HBOC). In addition, this variant was classified as Pathogenic on October 18, 2016 by t he ClinGen-approved ENIGMA expert panel (ClinVar SCV000323962.1). In summary, th is variant meets criteria to be classified as pathogenic for HBOC in an autosoma l dominant manner.

Consortium of Investigators of Modifiers of BRCA1/2 (CIMBA), c/o University of Cambridge
Classification: Pathogenic for Breast-ovarian cancer, familial, susceptibility to, 2. Last evaluated: 2015-10-02. Review status: criteria provided, single submitter. Criteria: CIMBA Mutation Classification guidelines May 2016. Collection method: clinical testing. Allele origin: germline. Not counted in ClinVar's aggregate classification.

Counsyl
Classification: Pathogenic for Breast-ovarian cancer, familial, susceptibility to, 2. Last evaluated: 2016-10-10. Review status: no assertion criteria provided. Collection method: clinical testing. Allele origin: unknown. Not counted in ClinVar's aggregate classification.

Research Molecular Genetics Laboratory, Women's College Hospital, University of Toronto
Classification: Pathogenic for Hereditary breast ovarian cancer syndrome. Last evaluated: 2014-01-31. Review status: no assertion criteria provided. Collection method: research. Allele origin: germline. Affected: yes. Study: The Canadian Open Genetics Repository (COGR). Not counted in ClinVar's aggregate classification.

Literature cited by the submitters: PubMed 20104584 (cited by Labcorp Genetics (formerly Invitae), Labcorp); PubMed 16644204 (cited by 10 submitters); PubMed 22006311 (cited by 10 submitters); PubMed 26681312 (cited by 6 submitters); PubMed 26787237 (cited by 6 submitters); PubMed 27989354 (cited by 5 submitters); PubMed 29961768 (cited by 6 submitters); PubMed 19491284 (cited by 3 submitters); PubMed 20301425 (cited by Variantyx, Inc.); PubMed 33758026 (cited by Quest Diagnostics Nichols Institute San Juan Capistrano); PubMed 34326862 (cited by Quest Diagnostics Nichols Institute San Juan Capistrano); PubMed 33471991 (cited by Quest Diagnostics Nichols Institute San Juan Capistrano); PubMed 30322717 (cited by 4 submitters); PubMed 29446198 (cited by Mayo Clinic Laboratories, Mayo Clinic); PubMed 8988179 (cited by Mayo Clinic Laboratories, Mayo Clinic and Women's Health and Genetics/Laboratory Corporation of America, LabCorp); PubMed 23242139 (cited by Women's Health and Genetics/Laboratory Corporation of America, LabCorp); PubMed 21702907 (cited by Women's Health and Genetics/Laboratory Corporation of America, LabCorp).